The following is an entry in ClinVar:

NM_017637.6(BNC2):c.565C>A (p.Leu189Met)

Gene: BNC2 (basonuclin zinc finger protein 2; minus strand). Cytogenetic location: 9p22.3.
Variant type: single nucleotide variant.
Coding change: c.565C>A on transcript NM_017637.6 (MANE Select); coding-DNA position 565, C replaced by A.
Protein change: p.Leu189Met; replaces leucine 189 with methionine.
Molecular consequence: missense variant.
Genome position (GRCh38, 1-based): chr9:16,552,634, G>T on the plus strand (C>A on the coding strand, the complement: BNC2 is on the minus strand). VCF-style: chr9-16552634-G-T. GRCh37 (hg19) VCF-style: chr9-16552632-G-T.
Other names: c.439C>A, p.Leu147Met (NM_001317939.2); c.280C>A, p.Leu94Met (NM_001317940.2); short protein forms L94M, L147M, L189M.
Identifiers: ClinVar variation 3700824 (VCV003700824.2).

ClinVar aggregate classification (germline): Uncertain significance (1 of 4 stars; one submission).

gnomAD v4.1: 2 of 1,614,096 alleles (0.00012%); highest among the groups gnomAD compares: Admixed American, 0.0017%; no homozygotes.

Submission:

Labcorp Genetics (formerly Invitae), Labcorp
Classification: Uncertain significance. Last evaluated: 2025-06-12. Review status: criteria provided, single submitter. Criteria: Invitae Variant Classification Sherloc (09022015). Collection method: clinical testing. Allele origin: germline.
Comment: This sequence change replaces leucine, which is neutral and non-polar, with methionine, which is neutral and non-polar, at codon 189 of the BNC2 protein (p.Leu189Met). This variant is present in population databases (no rsID available, gnomAD 0.004%). This variant has not been reported in the literature in individuals affected with BNC2-related conditions. ClinVar contains an entry for this variant (Variation ID: 3700824). An algorithm developed to predict the effect of missense changes on protein structure and function (PolyPhen-2) suggests that this variant is likely to be disruptive. In summary, the available evidence is currently insufficient to determine the role of this variant in disease. Therefore, it has been classified as a Variant of Uncertain Significance.